The following is an entry in ClinVar:

NM_001145308.5(LRTOMT):c.802C>T (p.His268Tyr)

Genes: ANAPC15 (anaphase promoting complex subunit 15; minus strand), LRTOMT (leucine rich transmembrane and O-methyltransferase domain containing; plus strand), TOMT (transmembrane O-methyltransferase; plus strand). Cytogenetic location: 11q13.4.
Variant type: single nucleotide variant.
Coding change: c.802C>T on transcript NM_001145308.5; coding-DNA position 802, C replaced by T.
Protein change: p.His268Tyr; replaces histidine 268 with tyrosine.
Molecular consequence: missense variant. On other transcripts: intron variant (7), non-coding transcript variant (1).
Genome position (GRCh38, 1-based): chr11:72,108,851, C>T. VCF-style: chr11-72108851-C-T. GRCh37 (hg19) VCF-style: chr11-71819897-C-T.
Other names: c.318+1237G>A (NM_001393428.1, NM_001393427.1, NM_001330321.2 and 3 more transcripts); c.703C>T, p.His235Tyr (NM_001393500.2); c.802C>T, p.His268Tyr (NM_001145309.4); c.682C>T, p.His228Tyr (NM_001145310.4); c.343G>A, p.Gly115Arg (NM_001393443.1, NM_001393444.1, NM_001393445.1); c.63+1237G>A (NM_001393459.1); short protein forms H268Y, H228Y, G115R, H235Y.
Identifiers: ClinVar variation 228842 (VCV000228842.15), dbSNP rs570166217, ClinGen allele CA6168646.

ClinVar aggregate classification (germline): Uncertain significance. Review status: criteria provided, multiple submitters, no conflicts (2 of 4 stars). 5 submissions from 5 submitters: Uncertain significance (5). Last evaluated 2026-03-25.

Conditions:
LRTOMT-related disorder. Also called: LRTOMT-related condition.
Autosomal recessive nonsyndromic hearing loss 63. Identifiers: Orphanet 90636, MedGen C1969621, MONDO:0012670, OMIM 611451.

Allele frequency attached by ClinVar (database versions not stated): gnomAD exomes 0.00010 and 0.00013; TOPMed 0.00019; 1000 Genomes Project 30x 0.00047; gnomAD 0.00017 and 0.00016; ExAC 0.00021; 1000 Genomes Project 0.00040.
gnomAD v4.1: 172 of 1,550,730 alleles (0.011%); highest among the groups gnomAD compares: Middle Eastern, 0.05%; no homozygotes.

Submissions (5):

PreventionGenetics, part of Exact Sciences
Classification: Uncertain significance for LRTOMT-related condition. Last evaluated: 2026-03-25. Review status: criteria provided, single submitter. Criteria: ACMG Guidelines, 2015. Collection method: clinical testing. Allele origin: germline.
Comment: The LRTOMT c.802C>T variant is predicted to result in the amino acid substitution p.His268Tyr. To our knowledge, this variant has not been reported in the literature. This variant is reported in 0.042% of alleles in individuals of African descent in gnomAD. At this time, the clinical significance of this variant is uncertain due to the absence of conclusive functional and genetic evidence.

GeneDx
Classification: Uncertain significance. Last evaluated: 2025-12-03. Review status: criteria provided, single submitter. Criteria: GeneDx Variant Classification Process June 2021. Collection method: clinical testing. Allele origin: germline. Affected: yes.
Comment: In silico analysis suggests that this missense variant does not alter protein structure/function; Has not been previously published as pathogenic or benign to our knowledge

Athena Diagnostics
Classification: Uncertain significance. Last evaluated: 2019-08-13. Review status: criteria provided, single submitter. Criteria: Athena Diagnostics Criteria. Collection method: clinical testing. Allele origin: germline.

Illumina Laboratory Services, Illumina
Classification: Uncertain significance for Autosomal recessive nonsyndromic hearing loss 63. Last evaluated: 2018-01-13. Review status: criteria provided, single submitter. Criteria: ICSL Variant Classification Criteria 13 December 2019. Collection method: clinical testing. Allele origin: germline.

Laboratory for Molecular Medicine, Mass General Brigham Personalized Medicine
Classification: Uncertain significance. Last evaluated: 2016-03-29. Review status: criteria provided, single submitter. Criteria: LMM Criteria. Collection method: clinical testing. Allele origin: germline. Observed: 1 variant allele.
Comment: The p.His268Tyr variant in LRTOMT has not been previously reported in individual s with hearing loss. This variant has been identified in 4/19466 chromosomes by the Exome Aggregation Consortium (ExAC; dbSNP rs 570166217). Although this variant has been seen in the general population, its f requency is not high enough to rule out a pathogenic role. Computational predict ion tools and conservation analyses do not provide strong support for or against an impact to the protein. In summary, the clinical significance of the p.His268 Tyr variant is uncertain.